The following is an entry in ClinVar:

ClinVar aggregate classification (germline): Uncertain significance (1 of 4 stars; one submission).

Conditions:
Inborn genetic diseases. Identifiers: MedGen C0950123, MeSH D030342.

Submission:

Ambry Genetics
Classification: Uncertain significance for Inborn genetic diseases. Last evaluated: 2025-10-22. Review status: criteria provided, single submitter. Criteria: Ambry Variant Classification Scheme 2023. Collection method: clinical testing. Allele origin: germline.
Comment: The p.S442R variant (also known as c.1326C>G), located in coding exon 15 of the RTEL1 gene, results from a C to G substitution at nucleotide position 1326. The serine at codon 442 is replaced by arginine, an amino acid with dissimilar properties. This amino acid position is conserved. In addition, this alteration is predicted to be tolerated by in silico analysis. Based on the available evidence, the clinical significance of this variant remains unclear.

NM_001283009.2(RTEL1):c.1326C>G (p.Ser442Arg)

Genes: RTEL1 (regulator of telomere elongation helicase 1; plus strand), RTEL1-TNFRSF6B (RTEL1-TNFRSF6B readthrough (NMD candidate); plus strand). Cytogenetic location: 20q13.33.
Variant type: single nucleotide variant.
Coding change: c.1326C>G on transcript NM_001283009.2 (MANE Select); coding-DNA position 1326, C replaced by G.
Protein change: p.Ser442Arg; replaces serine 442 with arginine.
Molecular consequence: missense variant. On other transcripts: non-coding transcript variant (1).
Genome position (GRCh38, 1-based): chr20:63,685,850, C>G. VCF-style: chr20-63685850-C-G. GRCh37 (hg19) VCF-style: chr20-62317203-C-G.
Other names: c.657C>G, p.Ser219Arg (NM_001283010.1); c.1326C>G, p.Ser442Arg (NM_016434.4); c.1398C>G, p.Ser466Arg (NM_032957.5); short protein forms S442R, S219R, S466R.
Identifiers: ClinVar variation 4629558 (VCV004629558.1).